The following is an entry in ClinVar:

ClinVar aggregate classification (germline): Likely benign. Review status: criteria provided, multiple submitters, no conflicts (2 of 4 stars). 5 submissions from 5 submitters: Likely benign (3). 2 of the submissions do not count toward it. Last evaluated 2025-12-03.

Conditions:
Lethal congenital glycogen storage disease of heart. Also called: PHOSPHORYLASE KINASE DEFICIENCY OF HEART; GLYCOGEN STORAGE DISEASE OF HEART. Identifiers: Orphanet 439854, MedGen C1849813, MONDO:0009867, OMIM 261740.

Allele frequency attached by ClinVar (database versions not stated): TOPMed 0.00004.
gnomAD v4.1: 129 of 1,613,856 alleles (0.008%); highest among the groups gnomAD compares: Middle Eastern, 0.049%; 1 homozygote.

Submissions (5):

Labcorp Genetics (formerly Invitae), Labcorp
Classification: Likely benign for Lethal congenital glycogen storage disease of heart. Last evaluated: 2025-12-03. Review status: criteria provided, single submitter. Criteria: Invitae Variant Classification Sherloc (09022015). Collection method: clinical testing. Allele origin: germline.

Blueprint Genetics
Classification: Likely benign. Last evaluated: 2024-10-22. Review status: criteria provided, single submitter. Criteria: ACMG Guidelines, 2015. Collection method: clinical testing. Allele origin: germline.

GeneDx
Classification: Likely benign. Last evaluated: 2017-04-07. Review status: criteria provided, single submitter. Criteria: GeneDx Variant Classification (06012015). Collection method: clinical testing. Allele origin: germline. Affected: yes.
Comment: This variant is considered likely benign or benign based on one or more of the following criteria: it is a conservative change, it occurs at a poorly conserved position in the protein, it is predicted to be benign by multiple in silico algorithms, and/or has population frequency not consistent with disease.

Clinical Genetics, Academic Medical Center
Classification: Benign. Review status: no assertion criteria provided. Collection method: clinical testing. Allele origin: germline. Affected: yes. Study: VKGL Data-share Consensus. Not counted in ClinVar's aggregate classification.

Joint Genome Diagnostic Labs from Nijmegen and Maastricht, Radboudumc and MUMC+
Classification: Likely benign. Review status: no assertion criteria provided. Collection method: clinical testing. Allele origin: germline. Affected: yes. Study: VKGL Data-share Consensus. Not counted in ClinVar's aggregate classification.

NM_016203.4(PRKAG2):c.1679-19A>G

Gene: PRKAG2 (protein kinase AMP-activated non-catalytic subunit gamma 2; minus strand). Cytogenetic location: 7q36.1.
Variant type: single nucleotide variant.
Coding change: c.1679-19A>G on transcript NM_016203.4 (MANE Select); 19 bases into the intron before coding-DNA position 1679, A replaced by G.
Molecular consequence: intron variant.
Genome position (GRCh38, 1-based): chr7:151,557,251, T>C on the plus strand (A>G on the coding strand, the complement: PRKAG2 is on the minus strand). VCF-style: chr7-151557251-T-C. GRCh37 (hg19) VCF-style: chr7-151254337-T-C.
Other names: c.1547-19A>G (NM_001040633.2); c.1304-19A>G (NM_001304527.2); c.1307-19A>G (NM_001363698.2); c.956-19A>G (NM_001304531.2, NM_024429.2).
Identifiers: ClinVar variation 508864 (VCV000508864.13), dbSNP rs200262620, ClinGen allele CA056123.